The following is an entry in ClinVar:

NM_001035.3(RYR2):c.6031C>G (p.Leu2011Val)

Gene: RYR2 (ryanodine receptor 2; plus strand). Cytogenetic location: 1q43.
Variant type: single nucleotide variant.
Coding change: c.6031C>G on transcript NM_001035.3 (MANE Select); coding-DNA position 6031, C replaced by G.
Protein change: p.Leu2011Val; replaces leucine 2011 with valine.
Molecular consequence: missense variant.
Genome position (GRCh38, 1-based): chr1:237,625,669, C>G. VCF-style: chr1-237625669-C-G. GRCh37 (hg19) VCF-style: chr1-237788969-C-G.
Other names: c.6031C>G (NM_001035.2); short protein forms L2011V.
Identifiers: ClinVar variation 925150 (VCV000925150.7), dbSNP rs751426174, ClinGen allele CA39838039.
Genomic context (GRCh38, chr1:237,625,669, plus strand): 5'-CCAAGTGTATTCTTTAAATATTTTTTTCTGCCTCTCTGTTTTTTTATACTAGGAATTGAG[C>G]TGGATGAAGATGGGTCTCTGGATGGAAACAGTGATTTAACAATTAGAGGGCGTCTGCTAT-3'
Protein context (NP_001026.2, residues 2001-2021): EDLMTHCGIE[Leu2011Val]DEDGSLDGNS

ClinVar aggregate classification (germline): Uncertain significance. Review status: criteria provided, multiple submitters, no conflicts (2 of 4 stars). 2 submissions from 2 submitters: Uncertain significance (2). Last evaluated 2023-12-04.

Conditions:
Cardiomyopathy (CMYO). Also called: Cardiomyopathies. Identifiers: Orphanet 167848, MedGen C0878544, MONDO:0004994, HP:0001638. Inheritance: Various modes of inheritance.
Cardiovascular phenotype. Identifiers: MedGen CN230736.

Allele frequency attached by ClinVar (database versions not stated): TOPMed below 0.00001; gnomAD exomes 0.00001.
gnomAD v4.1: 12 of 1,612,510 alleles (0.00074%); highest among the groups gnomAD compares: Non-Finnish European, 0.001%; no homozygotes.

Submissions (2):

Color Diagnostics, LLC DBA Color Health
Classification: Uncertain significance for Cardiomyopathy. Last evaluated: 2023-12-04. Review status: criteria provided, single submitter. Criteria: ACMG Guidelines, 2015. Collection method: clinical testing. Allele origin: germline.
Comment: This missense variant replaces leucine with valine at codon 2011 of the RYR2 protein. Computational prediction tools and conservation analyses are inconclusive regarding the impact of this variant on protein function. Computational splicing tools suggest that this variant may not impact RNA splicing. To our knowledge, functional assays have not been performed for this variant nor has this variant been reported in individuals affected with cardiovascular disorders in the literature. This variant has not been identified in the general population by the Genome Aggregation Database (gnomAD). Available evidence is insufficient to determine the role of this variant in disease conclusively. Therefore, this variant is classified as a Variant of Uncertain Significance.

Ambry Genetics
Classification: Uncertain significance for Cardiovascular phenotype. Last evaluated: 2020-11-24. Review status: criteria provided, single submitter. Criteria: Ambry Variant Classification Scheme 2023. Collection method: clinical testing. Allele origin: germline.
Comment: The p.L2011V variant (also known as c.6031C>G), located in coding exon 40 of the RYR2 gene, results from a C to G substitution at nucleotide position 6031. The leucine at codon 2011 is replaced by valine, an amino acid with highly similar properties. This amino acid position is highly conserved in available vertebrate species. In addition, this alteration is predicted to be tolerated by in silico analysis. Since supporting evidence is limited at this time, the clinical significance of this alteration remains unclear.